The following is an entry in ClinVar:

NM_001170535.3(ATAD3A):c.1072A>T (p.Lys358Ter)

Gene: ATAD3A (ATPase family AAA domain containing 3A; plus strand). Cytogenetic location: 1p36.33.
Variant type: single nucleotide variant.
Coding change: c.1072A>T on transcript NM_001170535.3 (MANE Select); coding-DNA position 1072, A replaced by T.
Protein change: p.Lys358Ter; replaces lysine 358 with a stop codon.
Molecular consequence: nonsense.
Genome position (GRCh38, 1-based): chr1:1,523,947, A>T. VCF-style: chr1-1523947-A-T. GRCh37 (hg19) VCF-style: chr1-1459327-A-T.
Other names: c.835A>T, p.Lys279Ter (NM_001170536.3); c.1216A>T, p.Lys406Ter (NM_018188.5); short protein forms K279*, K358*, K406*.
Identifiers: ClinVar variation 1199195 (VCV001199195.5), dbSNP rs2100667492, ClinGen allele CA337857793.

ClinVar aggregate classification (germline): Uncertain significance. Review status: criteria provided, multiple submitters, no conflicts (2 of 4 stars). 2 submissions from 2 submitters: Uncertain significance (2). Last evaluated 2021-07-14.

Conditions:
Harel-Yoon syndrome (HAYOS). Also called: Optic atrophy-peripheral neuropathy-developmental delay syndrome. Identifiers: Orphanet 496790, MedGen C4310677, MONDO:0014958, OMIM 617183.
Pontocerebellar hypoplasia, hypotonia, and respiratory insufficiency syndrome, neonatal lethal. Also called: PHRINL SYNDROME. Identifiers: Orphanet 615954, MedGen C5394137, MONDO:0032931, OMIM 618810.

Submissions (2):

Fulgent Genetics
Classification: Uncertain significance for Harel-Yoon syndrome; Pontocerebellar hypoplasia, hypotonia, and respiratory insufficiency syndrome, neonatal lethal. Last evaluated: 2021-07-14. Review status: criteria provided, single submitter. Criteria: ACMG Guidelines, 2015. Collection method: clinical testing. Allele origin: unknown.

Illumina Laboratory Services, Illumina
Classification: Uncertain significance for Harel-Yoon syndrome. Last evaluated: 2021-01-14. Review status: criteria provided, single submitter. Criteria: ICSLVariantClassificationCriteria RUGD 01 April 2020. Collection method: clinical testing. Allele origin: unknown.
Comment: The ATAD3A c.1072A>T (p.Lys358Ter) variant, is a stop-gained variant, that is predicted to result in a premature termination or absence of the protein. A literature search was performed for the gene, cDNA change, and amino acid change. No publications were found based on this search. This variant is not found in the Genome Aggregation Database in a region of good sequence coverage, so the variant is presumed to be rare. Based on the limited evidence, the p.Lys358Ter variant is classified as a variant of uncertain significance for Harel-Yoon syndrome.